The following is an entry in ClinVar:

ClinVar aggregate classification (germline): Uncertain significance. Review status: criteria provided, multiple submitters, no conflicts (2 of 4 stars). 3 submissions from 3 submitters: Uncertain significance (3). Last evaluated 2025-08-08.

Conditions:
Proteinuria, chronic benign. Identifiers: MedGen C5394384, MONDO:0030042, OMIM 618884.
Imerslund-Grasbeck syndrome type 1 (IGS1). Also called: Megaloblastic anemia 1, Finnish type; Imerslund-Gräsbeck syndrome 1; MEGALOBLASTIC ANEMIA, 1. Identifiers: MedGen C4016819, MONDO:0100156, OMIM 261100.
Inborn genetic diseases. Identifiers: MedGen C0950123, MeSH D030342.
Imerslund-Grasbeck syndrome. Also called: ENTEROCYTE COBALAMIN MALABSORPTION; ENTEROCYTE INTRINSIC FACTOR RECEPTOR, DEFECT OF; Imerslund-Gräsbeck syndrome; Megaloblastic anemia due to inborn errors of metabolism; PERNICIOUS ANEMIA, JUVENILE, DUE TO SELECTIVE INTESTINAL MALABSORPTION OF VITAMIN B12, WITH PROTEINURIA. Identifiers: Orphanet 35858, MedGen C4551825, MONDO:0009853.

Allele frequency attached by ClinVar (database versions not stated): TOPMed 0.00005; gnomAD 0.00002; ExAC 0.00012.
gnomAD v4.1: 46 of 1,613,458 alleles (0.0029%); highest among the groups gnomAD compares: Admixed American, 0.033%; no homozygotes.

Submissions (3):

Ambry Genetics
Classification: Uncertain significance for Inborn genetic diseases. Last evaluated: 2025-08-08. Review status: criteria provided, single submitter. Criteria: Ambry Variant Classification Scheme 2023. Collection method: clinical testing. Allele origin: germline.

Fulgent Genetics
Classification: Uncertain significance for Imerslund-Grasbeck syndrome type 1; Proteinuria, chronic benign. Last evaluated: 2022-04-15. Review status: criteria provided, single submitter. Criteria: ACMG Guidelines, 2015. Collection method: clinical testing. Allele origin: unknown.

Labcorp Genetics (formerly Invitae), Labcorp
Classification: Uncertain significance for Imerslund-Grasbeck syndrome. Last evaluated: 2021-10-05. Review status: criteria provided, single submitter. Criteria: Invitae Variant Classification Sherloc (09022015). Collection method: clinical testing. Allele origin: germline.
Comment: This sequence change replaces arginine with glutamine at codon 3618 of the CUBN protein (p.Arg3618Gln). The arginine residue is moderately conserved and there is a small physicochemical difference between arginine and glutamine. This variant is present in population databases (rs780837561, ExAC 0.06%). This variant has not been reported in the literature in individuals affected with CUBN-related conditions. Algorithms developed to predict the effect of missense changes on protein structure and function output the following: SIFT: "Tolerated"; PolyPhen-2: "Benign"; Align-GVGD: "Class C0". The glutamine amino acid residue is found in multiple mammalian species, which suggests that this missense change does not adversely affect protein function. In summary, the available evidence is currently insufficient to determine the role of this variant in disease. Therefore, it has been classified as a Variant of Uncertain Significance.

NM_001081.4(CUBN):c.10853G>A (p.Arg3618Gln)

Gene: CUBN (cubilin; minus strand). Cytogenetic location: 10p13.
Variant type: single nucleotide variant.
Coding change: c.10853G>A on transcript NM_001081.4 (MANE Select); coding-DNA position 10853, G replaced by A.
Protein change: p.Arg3618Gln; replaces arginine 3618 with glutamine.
Molecular consequence: missense variant.
Genome position (GRCh38, 1-based): chr10:16,824,994, C>T on the plus strand (G>A on the coding strand, the complement: CUBN is on the minus strand). VCF-style: chr10-16824994-C-T. GRCh37 (hg19) VCF-style: chr10-16866993-C-T.
Other names: short protein forms R3618Q.
Identifiers: ClinVar variation 939620 (VCV000939620.7), dbSNP rs780837561, ClinGen allele CA5422268.